The following is an entry in ClinVar:

ClinVar aggregate classification (germline): Likely benign. Review status: criteria provided, multiple submitters, no conflicts (2 of 4 stars). 2 submissions from 2 submitters: Likely benign (2). Last evaluated 2025-11-13.

Conditions:
CDH23-related disorder. Also called: CDH23-related disorders; CDH23-related condition.

Allele frequency attached by ClinVar (database versions not stated): gnomAD 0.00001; gnomAD exomes 0.00001; TOPMed 0.00001.
gnomAD v4.1: 9 of 1,588,506 alleles (0.00057%); highest among the groups gnomAD compares: Middle Eastern, 0.017%; no homozygotes.

Submissions (2):

PreventionGenetics, part of Exact Sciences
Classification: Likely benign for CDH23-related condition. Last evaluated: 2025-11-13. Review status: criteria provided, single submitter. Criteria: ACMG Guidelines, 2015. Collection method: clinical testing. Allele origin: germline.
Comment: This variant is classified as likely benign based on ACMG/AMP sequence variant interpretation guidelines (Richards et al. 2015 PMID: 25741868, with internal and published modifications).

Labcorp Genetics (formerly Invitae), Labcorp
Classification: Likely benign. Last evaluated: 2025-06-03. Review status: criteria provided, single submitter. Criteria: Invitae Variant Classification Sherloc (09022015). Collection method: clinical testing. Allele origin: germline.

NM_022124.6(CDH23):c.1515-13C>T

Gene: CDH23 (cadherin related 23; plus strand). Cytogenetic location: 10q22.1.
Variant type: single nucleotide variant.
Coding change: c.1515-13C>T on transcript NM_022124.6 (MANE Select); 13 bases into the intron before coding-DNA position 1515, C replaced by T.
Molecular consequence: intron variant.
Genome position (GRCh38, 1-based): chr10:71,677,443, C>T. VCF-style: chr10-71677443-C-T. GRCh37 (hg19) VCF-style: chr10-73437200-C-T.
Other names: c.1515-13C>T (NM_001171930.2, NM_001171931.2, NM_022124.5).
Identifiers: ClinVar variation 2165252 (VCV002165252.5), dbSNP rs907833092, ClinGen allele CA209427444.